The following is an entry in ClinVar:

NM_000143.4(FH):c.265C>T (p.Pro89Ser)

Gene: FH (fumarate hydratase; minus strand). Cytogenetic location: 1q43.
Variant type: single nucleotide variant.
Coding change: c.265C>T on transcript NM_000143.4 (MANE Select); coding-DNA position 265, C replaced by T.
Protein change: p.Pro89Ser; replaces proline 89 with serine.
Molecular consequence: missense variant.
Genome position (GRCh38, 1-based): chr1:241,517,184, G>A on the plus strand (C>T on the coding strand, the complement: FH is on the minus strand). VCF-style: chr1-241517184-G-A. GRCh37 (hg19) VCF-style: chr1-241680484-G-A.
Other names: short protein forms P89S.
Identifiers: ClinVar variation 2562374 (VCV002562374.7), dbSNP rs1489304373, ClinGen allele CA345441609.

ClinVar aggregate classification (germline): Uncertain significance. Review status: criteria provided, multiple submitters, no conflicts (2 of 4 stars). 3 submissions from 3 submitters: Uncertain significance (3). Last evaluated 2025-11-25.

Conditions:
Fumarase deficiency (FMRD). Also called: Fumarate Hydratase Deficiency; Fumaric aciduria. Identifiers: Orphanet 24, MedGen C0342770, MONDO:0011730, OMIM 606812.
Hereditary cancer-predisposing syndrome. Also called: Tumor predisposition; Hereditary neoplastic syndrome; Neoplastic Syndromes, Hereditary; Hereditary Cancer Syndrome. Identifiers: Orphanet 140162, MedGen C0027672, MeSH D009386, MONDO:0015356.

Allele frequency attached by ClinVar (database versions not stated): gnomAD exomes below 0.00001; TOPMed 0.00002.
gnomAD v4.1: 3 of 1,614,030 alleles (0.00019%); highest among the groups gnomAD compares: African/African-American, 0.004%; no homozygotes.

Submissions (3):

Ambry Genetics
Classification: Uncertain significance for Hereditary cancer-predisposing syndrome. Last evaluated: 2025-11-25. Review status: criteria provided, single submitter. Criteria: Ambry Variant Classification Scheme 2023. Collection method: clinical testing. Allele origin: germline.
Comment: The p.P89S variant (also known as c.265C>T), located in coding exon 2 of the FH gene, results from a C to T substitution at nucleotide position 265. The proline at codon 89 is replaced by serine, an amino acid with similar properties. This amino acid position is highly conserved in available vertebrate species. In addition, this alteration is predicted to be deleterious by in silico analysis. Since supporting evidence is limited at this time, the clinical significance of this alteration remains unclear.

Labcorp Genetics (formerly Invitae), Labcorp
Classification: Uncertain significance. Last evaluated: 2024-10-10. Review status: criteria provided, single submitter. Criteria: Invitae Variant Classification Sherloc (09022015). Collection method: clinical testing. Allele origin: germline.
Comment: This sequence change replaces proline, which is neutral and non-polar, with serine, which is neutral and polar, at codon 89 of the FH protein (p.Pro89Ser). This variant is not present in population databases (gnomAD no frequency). This variant has not been reported in the literature in individuals affected with FH-related conditions. ClinVar contains an entry for this variant (Variation ID: 2562374). An algorithm developed to predict the effect of missense changes on protein structure and function (PolyPhen-2) suggests that this variant is likely to be disruptive. In summary, the available evidence is currently insufficient to determine the role of this variant in disease. Therefore, it has been classified as a Variant of Uncertain Significance.

Baylor Genetics
Classification: Uncertain significance for Fumarase deficiency. Last evaluated: 2023-07-20. Review status: criteria provided, single submitter. Criteria: ACMG Guidelines, 2015. Collection method: clinical testing. Allele origin: unknown.